The following is an entry in ClinVar:

ClinVar aggregate classification (germline): Conflicting classifications of pathogenicity. Review status: criteria provided, conflicting classifications (1 of 4 stars). 6 submissions from 6 submitters: Uncertain significance (2); Benign (1); Likely benign (3). Last evaluated 2026-01-27.

Conditions:
Alstrom syndrome (ALMS). Identifiers: Orphanet 64, MedGen C0268425, MONDO:0008763, OMIM 203800.
Monogenic diabetes. Identifiers: Orphanet 183625, MedGen C3888631, MONDO:0015967.
Cardiovascular phenotype. Identifiers: MedGen CN230736.

gnomAD v4.1: 280 of 1,613,556 alleles (0.017%); highest among the groups gnomAD compares: Non-Finnish European, 0.011%; 1 homozygote.

Submissions (6):

Labcorp Genetics (formerly Invitae), Labcorp
Classification: Likely benign for Alstrom syndrome. Last evaluated: 2026-01-27. Review status: criteria provided, single submitter. Criteria: Invitae Variant Classification Sherloc (09022015). Collection method: clinical testing. Allele origin: germline.

Women's Health and Genetics/Laboratory Corporation of America, LabCorp
Classification: Uncertain significance. Last evaluated: 2024-09-30. Review status: criteria provided, single submitter. Criteria: LabCorp Variant Classification Summary - May 2015. Collection method: clinical testing. Allele origin: germline.
Comment: Variant summary: ALMS1 c.6299C>G (p.Ser2100Trp) results in a non-conservative amino acid change in the encoded protein sequence. Three of five in-silico tools predict a damaging effect of the variant on protein function. The variant allele was found at a frequency of 0.00029 in 247674 control chromosomes in the gnomAD database, including 1 homozygotes. This frequency is not significantly higher than estimated for a pathogenic variant in ALMS1 causing Cardiomyopathy (0.00029 vs 0.0022), allowing no conclusion about variant significance. c.6299C>G has been reported in the literature in at least one individual affected with Alstrom Syndrome (Marshall_2015). These report(s) do not provide unequivocal conclusions about association of the variant with Cardiomyopathy. To our knowledge, no experimental evidence demonstrating an impact on protein function has been reported. The following publication has been ascertained in the context of this evaluation (PMID: 25846608). ClinVar contains an entry for this variant (Variation ID: 389275). Based on the evidence outlined above, the variant was classified as uncertain significance.

Blueprint Genetics
Classification: Uncertain significance. Last evaluated: 2024-03-28. Review status: criteria provided, single submitter. Criteria: ACMG Guidelines, 2015. Collection method: clinical testing. Allele origin: germline.

Ambry Genetics
Classification: Likely benign for Cardiovascular phenotype. Last evaluated: 2022-08-29. Review status: criteria provided, single submitter. Criteria: Ambry Variant Classification Scheme 2023. Collection method: clinical testing. Allele origin: germline.

GeneDx
Classification: Likely benign. Last evaluated: 2020-08-03. Review status: criteria provided, single submitter. Criteria: GeneDx Variant Classification Process June 2021. Collection method: clinical testing. Allele origin: germline. Affected: yes.
Comment: This variant is associated with the following publications: (PMID: 25846608)

Personalized Diabetes Medicine Program, University of Maryland School of Medicine
Classification: Benign for Monogenic diabetes. Last evaluated: 2017-10-06. Review status: criteria provided, single submitter. Criteria: ACMG Guidelines, 2015. Collection method: research. Allele origin: unknown. Observed: 1 variant allele, 1 heterozygote.
Comment: ACMG criteria: BP4 (4 predictors), PP3 (2 predictors), BS1 (4.97% in European in 1000g), BS2 (61 homozygotes in ExAC), BP1 (missense in gene with truncating known) = benign

Literature cited by the submitters: PubMed 25846608 (cited by Women's Health and Genetics/Laboratory Corporation of America, LabCorp).

NM_001378454.1(ALMS1):c.6302C>G (p.Ser2101Trp)

Gene: ALMS1 (ALMS1 centrosome and basal body associated protein; plus strand). Cytogenetic location: 2p13.1.
Variant type: single nucleotide variant.
Coding change: c.6302C>G on transcript NM_001378454.1 (MANE Select); coding-DNA position 6302, C replaced by G.
Protein change: p.Ser2101Trp; replaces serine 2101 with tryptophan.
Molecular consequence: missense variant.
Genome position (GRCh38, 1-based): chr2:73,452,829, C>G. VCF-style: chr2-73452829-C-G. GRCh37 (hg19) VCF-style: chr2-73679956-C-G.
Other names: c.6305C>G, p.Ser2102Trp (NM_015120.4); short protein forms S2102W, S2101W.
Identifiers: ClinVar variation 389275 (VCV000389275.19), dbSNP rs28730854, ClinGen allele CA1714043.